The following is an entry in ClinVar:

NM_003060.4(SLC22A5):c.514G>A (p.Val172Met)

Gene: SLC22A5 (solute carrier family 22 member 5; plus strand). Cytogenetic location: 5q31.1.
Variant type: single nucleotide variant.
Coding change: c.514G>A on transcript NM_003060.4 (MANE Select); coding-DNA position 514, G replaced by A.
Protein change: p.Val172Met; replaces valine 172 with methionine.
Molecular consequence: missense variant.
Genome position (GRCh38, 1-based): chr5:132,384,163, G>A. VCF-style: chr5-132384163-G-A. GRCh37 (hg19) VCF-style: chr5-131719855-G-A.
Other names: c.586G>A, p.Val196Met (NM_001308122.2); short protein forms V172M, V196M.
Identifiers: ClinVar variation 957604 (VCV000957604.6), dbSNP rs558978831, ClinGen allele CA127208734.

ClinVar aggregate classification (germline): Uncertain significance (1 of 4 stars; one submission).

Conditions:
Renal carnitine transport defect (CDSP). Also called: Systemic primary carnitine deficiency disease; Primary carnitine deficiency; Carnitine transporter deficiency; Carnitine Deficiency, Systemic; CARNITINE DEFICIENCY, SYSTEMIC, DUE TO DEFECT IN RENAL REABSORPTION OF CARNITINE; CARNITINE TRANSPORTER, PLASMA-MEMBRANE, DEFICIENCY OF. Identifiers: Orphanet 158, MedGen C0342788, MONDO:0008919, OMIM 212140.

Allele frequency attached by ClinVar (database versions not stated): gnomAD exomes below 0.00001; gnomAD 0.00001; 1000 Genomes Project 30x 0.00016; 1000 Genomes Project 0.00020.

Submission:

Labcorp Genetics (formerly Invitae), Labcorp
Classification: Uncertain significance for Renal carnitine transport defect. Last evaluated: 2021-09-01. Review status: criteria provided, single submitter. Criteria: Invitae Variant Classification Sherloc (09022015). Collection method: clinical testing. Allele origin: germline.
Comment: This sequence change replaces valine with methionine at codon 172 of the SLC22A5 protein (p.Val172Met). The valine residue is moderately conserved and there is a small physicochemical difference between valine and methionine. This variant is not present in population databases (ExAC no frequency). This variant has not been reported in the literature in individuals affected with SLC22A5-related conditions. Algorithms developed to predict the effect of missense changes on protein structure and function are either unavailable or do not agree on the potential impact of this missense change (SIFT: "Tolerated"; PolyPhen-2: "Possibly Damaging"; Align-GVGD: "Class C0"). In summary, the available evidence is currently insufficient to determine the role of this variant in disease. Therefore, it has been classified as a Variant of Uncertain Significance.